The following continues an entry in ClinVar:

NM_001267550.2(TTN):c.107635C>T (p.Gln35879Ter)

ClinVar aggregate classification (germline): Pathogenic/Likely pathogenic. Pathogenic (15); Likely pathogenic (2).

Submissions 7 to 19 of 19:

Ambry Genetics
Classification: Pathogenic for Cardiovascular phenotype. Last evaluated: 2024-08-23. Review status: criteria provided, single submitter. Criteria: Ambry Variant Classification Scheme 2023. Collection method: clinical testing. Allele origin: germline.
Comment: The p.Q26814* pathogenic mutation (also known as c.80440C>T), located in coding exon 189 of the TTN gene, results from a C to T substitution at nucleotide position 80440. This changes the amino acid from a glutamine to a stop codon within coding exon 189. This exon is located in the M-band region of the N2-B isoform of the titin protein and is constitutively expressed in TTN transcripts (percent spliced in or PSI 99%). This alteration occurs at the 3' terminus of theTTN gene, is not expected to trigger nonsense-mediated mRNA decay, and only impacts the last 112AA of the protein. However, premature stop codons are typically deleterious in nature and a significant portion of the protein is affected (Ambry internal data). This alteration, which is also known as c.107635C>T p.Q35879*, has been reported in distal myopathy and limb girdle muscular dystrophy cohorts in multiple individuals as either homozygous or compound heterozygous with an additional alteration in TTN identified (Evil&auml; A et al. Mol Neurobiol, 2017 Nov;54:7212-7223; Peri S et al. Eur J Hum Genet, 2017 May;25:572-581; Savarese M et al. JAMA Neurol, 2018 May;75:557-565). This variant is considered to be rare based on population cohorts in the Genome Aggregation Database (gnomAD). While truncating variants in TTN are present in 1-3% of the general population, truncating variants in the M-band have been reported in association with autosomal recessive titinopathies, primarily presenting with skeletal myopathy phenotypes (Ceyhan-Birsoy O et al. Neurology. 2013 Oct 1;81(14):1205-14; De Cid R et al. Neurology. 2015;85(24):2126-35). In addition, regardless of their position, TTN truncating variants encoded in constitutive exons (PSI >90%) have been found to be significantly associated with dilated cardiomyopathy (DCM), though truncating variants in the A-band are the most common cause of DCM (Herman DS et al. N. Engl. J. Med., 2012 Feb;366:619-28; Roberts AM et al. Sci Transl Med, 2015 Jan;7:270ra6; Schafer S et al. Nat. Genet., 2017 01;49:46-53). Based on the majority of available evidence to date, this variant is pathogenic in association with autosomal recessive titinopathy; however, the clinical significance of this alteration with respect to cardiomyopathy remains unclear.

3billion
Classification: Pathogenic for Autosomal recessive limb-girdle muscular dystrophy type 2J. Last evaluated: 2024-04-01. Review status: criteria provided, single submitter. Criteria: ACMG Guidelines, 2015. Collection method: clinical testing. Allele origin: germline. Affected: yes.
Comment: The variant is observed at an extremely low frequency in the gnomAD v4.0.0 dataset (total allele frequency: <0.001%). Predicted Consequence/Location: Stop-gained (nonsense): predicted to result in a loss or disruption of normal protein function through protein truncation. The predicted truncated protein may be shortened by less than 10%. The variant has been reported to be in trans with a pathogenic variant as either compound heterozygous or homozygous in at least 4 similarly affected unrelated individuals (PMID: 28295036). The variant has been reported at least twice as pathogenic with clinical assertions and evidence for the classification (ClinVar ID: VCV000202529 /3billion dataset). Therefore, this variant is classified as Pathogenic according to the recommendation of ACMG/AMP guideline.

Blueprint Genetics
Classification: Pathogenic for TTN-related disorders. Last evaluated: 2023-12-15. Review status: criteria provided, single submitter. Criteria: ACMG Guidelines, 2015. Collection method: clinical testing. Allele origin: germline. Affected: yes. Observed: 4 variant alleles.

Broad Center for Mendelian Genomics, Broad Institute of MIT and Harvard
Classification: Pathogenic for TTN-related myopathy. Last evaluated: 2023-01-25. Review status: criteria provided, single submitter. Criteria: ACMG Guidelines, 2015. Collection method: curation. Allele origin: germline. Inheritance: Autosomal recessive inheritance.
Comment: The p.Gln35879Ter variant in TTN has been previously reported in 16 unrelated individuals with TTN-related myopathy (PMID: 34106991, PMID: 29435569, PMID: 28295036) and segregated with disease in 2 affected relatives in one family (PMID: 34106991), but has been identified in 0.003% (1/34510) of Latino/Admixed American chromosomes by the Genome Aggregation Database (gnomAD; dbSNP ID: rs757082154). Although this variant has been seen in the general population in a heterozygous state, its frequency is low enough to be consistent with a recessive carrier frequency. Of these 16 affected individuals (PMID: 34106991, PMID: 29435569, PMID: 28295036), 3 were homozygotes (PMID: 28295036) and 6 were compound heterozygotes who carried pathogenic or likely pathogenic variants in trans (PMID: 34106991, ClinVar Variation ID: 374145; PMID: 28295036, ClinVar Variation ID: 374145), which increases the likelihood that the p.Gln35879Ter variant is pathogenic. This variant has also been reported in ClinVar (Variation ID: 202529) and has conflicting interpretations of pathogenicity. This nonsense variant leads to a premature termination codon at position 35879. This alteration occurs within the terminal 50 bases of the second to last exon and is more likely to escape nonsense mediated decay (NMD) and result in a truncated protein. Loss of function of the TTN gene is an established disease mechanism in autosomal recessive limb-girdle muscular dystrophy 10. In summary, this variant meets criteria to be classified as pathogenic for limb-girdle muscular dystrophy 10. ACMG/AMP Criteria applied: PVS1_Strong, PM2_Supporting, PM3_VeryStrong (Richards 2015).

Revvity Omics, Revvity
Classification: Pathogenic. Last evaluated: 2022-08-17. Review status: criteria provided, single submitter. Criteria: ACMG Guidelines, 2015. Collection method: clinical testing. Allele origin: germline.

Laboratory for Molecular Medicine, Mass General Brigham Personalized Medicine
Classification: Pathogenic for Neuromuscular disease. Last evaluated: 2019-04-12. Review status: criteria provided, single submitter. Criteria: ACMG Guidelines, 2015. Collection method: clinical testing. Allele origin: germline. Inheritance: Autosomal recessive inheritance.
Comment: The p.Gln33311X variant in TTN, reported in the literature as p.Gln35879X (NM_001267550.1), has been identified in the compound heterozygous or homozygous state in greater than 15 individuals with distal myopathy (Eliva 2017, Peric 2017, Savarese 2018). The majority of these individuals were Serbian, suggesting that this variant is likely a founder mutation in that population (Peric 2017). It has also been identified in 3/248904 chromosomes by gnomAD and has been reported in ClinVar (Variation ID # 202529). This nonsense variant leads to a premature termination codon at position 33311. This alteration occurs within the terminal 50 bases of the second to last exon and is therefore likely to escape nonsense mediated decay (NMD) and result in a truncated protein. In summary, this variant meets criteria to be classified as pathogenic for autosomal recessive distal myopathy. ACMG/AMP criteria applied: PM3_VeryStrong, PM2, PP1.

Eurofins Ntd Llc (ga)
Classification: Pathogenic. Last evaluated: 2018-09-11. Review status: criteria provided, single submitter. Criteria: EGL ClinVar v180209 classification definitions. Collection method: clinical testing. Allele origin: germline. Observed: 1 variant allele, 1 heterozygote.

Genomic Research Center, Shahid Beheshti University of Medical Sciences
Classification: Pathogenic for TTN-Related Disorders. Last evaluated: 2018-08-07. Review status: criteria provided, single submitter. Criteria: ACMG Guidelines, 2015. Collection method: clinical testing. Allele origin: inherited. Affected: yes. Observed: 1 variant allele.

Genomic Research Center, Shahid Beheshti University of Medical Sciences
Classification: Pathogenic for Lower limb muscle weakness. Last evaluated: 2018-08-07. Review status: criteria provided, single submitter. Criteria: ACMG Guidelines, 2015. Collection method: clinical testing. Allele origin: inherited. Affected: yes. Observed: 1 variant allele.

Centre for Mendelian Genomics, University Medical Centre Ljubljana
Classification: Likely pathogenic for Decreased patellar reflex; Limb-girdle muscular dystrophy; Muscular dystrophy; Proximal lower limb amyotrophy; Waddling gait. Last evaluated: 2015-02-04. Review status: criteria provided, single submitter. Criteria: ACMG Guidelines, 2015. Collection method: clinical testing. Allele origin: unknown. Affected: yes.

Laboratory of Medical Genetics Unit, Bambino Gesù Children's Hospital
Classification: Pathogenic for Early-onset myopathy with fatal cardiomyopathy. Review status: criteria provided, single submitter. Criteria: ACMG Guidelines, 2015. Collection method: clinical testing. Allele origin: maternal. Inheritance: Autosomal recessive inheritance. Affected: yes.

Centre for Mendelian Genomics, University Medical Centre Ljubljana
Classification: Likely pathogenic for Lower limb muscle weakness; Myopathy; Rimmed vacuoles. Last evaluated: 2016-01-04. Review status: no assertion criteria provided. Collection method: clinical testing. Allele origin: unknown. Affected: yes. Not counted in ClinVar's aggregate classification.

Centre for Mendelian Genomics, University Medical Centre Ljubljana
Classification: Uncertain significance for Limb-girdle muscle atrophy; Limb-girdle muscle weakness. Last evaluated: 2014-10-09. Review status: flagged submission. Criteria: ACMG Guidelines, 2015. Collection method: clinical testing. Allele origin: unknown. Affected: yes. Not counted in ClinVar's aggregate classification.
ClinVar note: Reason: Older and outlier claim with insufficient supporting evidence

Literature cited by the submitters: PubMed 27796757 (cited by 3 submitters); PubMed 28295036 (cited by 5 submitters); PubMed 29435569 (cited by 3 submitters); PubMed 34935411 (cited by Labcorp Genetics (formerly Invitae), Labcorp and Women's Health and Genetics/Laboratory Corporation of America, LabCorp); PubMed 25589632 (cited by Labcorp Genetics (formerly Invitae), Labcorp); PubMed 18948003 (cited by Labcorp Genetics (formerly Invitae), Labcorp); PubMed 23975875 (cited by Labcorp Genetics (formerly Invitae), Labcorp); PubMed 24395473 (cited by Labcorp Genetics (formerly Invitae), Labcorp); PubMed 27869827 (cited by Labcorp Genetics (formerly Invitae), Labcorp); PubMed 32964742 (cited by Labcorp Genetics (formerly Invitae), Labcorp); PubMed 37576110 (cited by Women's Health and Genetics/Laboratory Corporation of America, LabCorp); PubMed 38473809 (cited by Women's Health and Genetics/Laboratory Corporation of America, LabCorp).